The following is an entry in ClinVar:

ClinVar aggregate classification (germline): Uncertain significance (1 of 4 stars; one submission).

Submission:

Labcorp Genetics (formerly Invitae), Labcorp
Classification: Uncertain significance. Last evaluated: 2022-10-03. Review status: criteria provided, single submitter. Criteria: Invitae Variant Classification Sherloc (09022015). Collection method: clinical testing. Allele origin: germline.
Comment: This sequence change replaces methionine, which is neutral and non-polar, with isoleucine, which is neutral and non-polar, at codon 631 of the CTNNA1 protein (p.Met631Ile). In summary, the available evidence is currently insufficient to determine the role of this variant in disease. Therefore, it has been classified as a Variant of Uncertain Significance. Advanced modeling of protein sequence and biophysical properties (such as structural, functional, and spatial information, amino acid conservation, physicochemical variation, residue mobility, and thermodynamic stability) performed at Invitae indicates that this missense variant is expected to disrupt CTNNA1 protein function. ClinVar contains an entry for this variant (Variation ID: 640318). This variant has not been reported in the literature in individuals affected with CTNNA1-related conditions. This variant is not present in population databases (gnomAD no frequency).

NM_001903.5(CTNNA1):c.1893G>A (p.Met631Ile)

Gene: CTNNA1 (catenin alpha 1; plus strand). Cytogenetic location: 5q31.2.
Variant type: single nucleotide variant.
Coding change: c.1893G>A on transcript NM_001903.5 (MANE Select); coding-DNA position 1893, G replaced by A.
Protein change: p.Met631Ile; replaces methionine 631 with isoleucine.
Molecular consequence: missense variant.
Genome position (GRCh38, 1-based): chr5:138,925,401, G>A. VCF-style: chr5-138925401-G-A. GRCh37 (hg19) VCF-style: chr5-138261090-G-A.
Other names: c.1893G>A, p.Met631Ile (NM_001290307.3, NM_001323982.2, NM_001323983.1 and 2 more transcripts); c.1584G>A, p.Met528Ile (NM_001290309.3); c.1524G>A, p.Met508Ile (NM_001290310.3); c.783G>A, p.Met261Ile (NM_001290312.1, NM_001323987.1, NM_001323988.1 and 17 more transcripts); c.1800G>A, p.Met600Ile (NM_001323986.2); c.444G>A, p.Met148Ile (NM_001324006.1, NM_001324007.1, NM_001324008.1 and 2 more transcripts); c.690G>A, p.Met230Ile (NM_001324011.1); c.540G>A, p.Met180Ile (NM_001324012.1, NM_001324013.1); short protein forms M230I, M631I, M148I, M180I, M261I, M508I, M528I, M600I.
Identifiers: ClinVar variation 640318 (VCV000640318.8), dbSNP rs1580862491, ClinGen allele CA361132448.